The following is an entry in ClinVar:

ClinVar aggregate classification (germline): Pathogenic (1 of 4 stars; one submission).

Conditions:
Lysinuric protein intolerance (LPI). Identifiers: Orphanet 470, MedGen C0268647, MONDO:0009109, OMIM 222700.

Submission:

Department of Pediatrics, Inner Mongolia Maternity and Child Health Care Hospital
Classification: Pathogenic for Lysinuric protein intolerance. Last evaluated: 2024-12-19. Review status: criteria provided, single submitter. Criteria: ACMG Guidelines, 2015. Collection method: clinical testing. Allele origin: paternal. Inheritance: Autosomal recessive inheritance. Affected: yes. Observed: 1 variant allele, 1 compound heterozygote.
Comment: This variant (c.1357_1370del; p.Gly453Leufs*10) in the SLC7A7 gene is classified as pathogenic based on the following evidence: (1) Variant type: Frameshift variant predicted to result in a premature termination codon, leading to nonsense-mediated mRNA decay. Loss-of-function is an established mechanism for LPI. (2) Population frequency: Absent or extremely rare in population databases (gnomAD). (5) Literature review: No previous reports of this specific variant; however, other loss-of-function variants in SLC7A7 are well-established as pathogenic.

Literature cited by the submitters: PubMed 21308987.

NM_003982.4(SLC7A7):c.1357_1370del (p.Gly453fs)

Gene: SLC7A7 (solute carrier family 7 member 7; minus strand). Cytogenetic location: 14q11.2.
Variant type: Deletion.
Coding change: c.1357_1370del on transcript NM_003982.4 (MANE Select); coding-DNA positions 1357 to 1370, 14 bases deleted (GGCCTGCCCTTTTA).
Protein change: p.Gly453fs; shifts the reading frame from glycine 453.
Molecular consequence: frameshift variant.
Genome position (GRCh38, 1-based): chr14:22,773,992-22,774,005, TAAAAGGGCAGGCC deleted on the plus strand (GGCCTGCCCTTTTA on the coding strand, the reverse complement: SLC7A7 is on the minus strand); deleting any 14 consecutive bases within chr14:22,773,992-22,774,006 gives the same sequence; the c. name uses the placement nearest the transcript's 3' end. VCF-style (leftmost placement, unchanged base first): chr14-22773991-GTAAAAGGGCAGGCC-G. GRCh37 (hg19) VCF-style: chr14-23243200-GTAAAAGGGCAGGCC-G.
Other names: c.1357_1370del, p.Gly453fs (NM_001126105.3, NM_001126106.4); short protein forms G453fs.
Identifiers: ClinVar variation 4813200 (VCV004813200.1).